The following is an entry in ClinVar:

Conditions:
Breast-ovarian cancer, familial, susceptibility to, 1 (BROVCA1). Also called: BRCA1 Hereditary Breast and Ovarian Cancer; OVARIAN CANCER, SUSCEPTIBILITY TO. Identifiers: Orphanet 145, MedGen C2676676, MONDO:0011450, OMIM 604370. Disease mechanism: loss of function.

Submission:

Brotman Baty Institute, University of Washington
No classification provided (evidence only). Condition: Breast-ovarian cancer, familial 1. Review status: no classification provided. Collection method: in vitro. Allele origin: not applicable. Functional consequence: functionally_normal.
ClinVar note: "not provided" was previously submitted as the classification for the variant. However, the classification appeared to be based only on an observation of functional data so it was converted to no classification on 2025-07-30.

NM_007294.4(BRCA1):c.5436A>C (p.Pro1812=)

Gene: BRCA1 (BRCA1 DNA repair associated; minus strand). Cytogenetic location: 17q21.31.
Variant type: single nucleotide variant.
Coding change: c.5436A>C on transcript NM_007294.4 (MANE Select); coding-DNA position 5436, A replaced by C.
Protein change: p.Pro1812=; no amino-acid change (proline 1812 retained).
Molecular consequence: synonymous variant.
Genome position (GRCh38, 1-based): chr17:43,047,674, T>G on the plus strand (A>C on the coding strand, the complement: BRCA1 is on the minus strand). VCF-style: chr17-43047674-T-G. GRCh37 (hg19) VCF-style: chr17-41199691-T-G.
Other names: c.1923A>C, p.Pro641= (NM_001408475.1, NM_001408476.1); c.1917A>C, p.Pro639= (NM_001408478.1, NM_001408479.1, NM_001408480.1); c.1914A>C, p.Pro638= (NM_001408481.1, NM_001408482.1, NM_001408483.1 and 5 more transcripts); c.1911A>C, p.Pro637= (NM_001408492.1, NM_001408493.1); c.1887A>C, p.Pro629= (NM_001408494.1); c.1881A>C, p.Pro627= (NM_001408495.1); c.1863A>C, p.Pro621= (NM_001408496.1, NM_001408497.1, NM_001408498.1 and 3 more transcripts); c.1860A>C, p.Pro620= (NM_001408502.1, NM_001408503.1, NM_001408504.1); and 83 more.
Identifiers: ClinVar variation 865505 (VCV000865505.3), dbSNP rs2050986198, ClinGen allele CA500143175.
Genomic context (GRCh38, chr17:43,047,674, plus strand): 5'-TATAGCACAGGTACATGCAGGCACCTTACCATGGAAGCCATTGTCCTCTGTCCAGGCATC[T>G]GGCTGCACAACCACAATTGGGTGGACACCCTGGATCCCCAGGAAGGAAAGAGCATTCAAA-3'
Protein context (NP_009225.1, residues 1802-1822): TGVHPIVVVQ[Pro1812=]DAWTEDNGFH